The following is an entry in ClinVar:

NM_177550.5(SLC13A5):c.1162A>G (p.Lys388Glu)

Gene: SLC13A5 (solute carrier family 13 member 5; minus strand). Cytogenetic location: 17p13.1.
Variant type: single nucleotide variant.
Coding change: c.1162A>G on transcript NM_177550.5 (MANE Select); coding-DNA position 1162, A replaced by G.
Protein change: p.Lys388Glu; replaces lysine 388 with glutamic acid.
Molecular consequence: missense variant.
Genome position (GRCh38, 1-based): chr17:6,693,157, T>C on the plus strand (A>G on the coding strand, the complement: SLC13A5 is on the minus strand). VCF-style: chr17-6693157-T-C. GRCh37 (hg19) VCF-style: chr17-6596476-T-C.
Other names: c.1162A>G, p.Lys388Glu (NM_001143838.3); c.1111A>G, p.Lys371Glu (NM_001284509.2); c.1033A>G, p.Lys345Glu (NM_001284510.2); short protein forms K345E, K371E, K388E.
Identifiers: ClinVar variation 1487507 (VCV001487507.8), dbSNP rs756710649, ClinGen allele CA8331471.

ClinVar aggregate classification (germline): Uncertain significance (1 of 4 stars; one submission).

Conditions:
Developmental and epileptic encephalopathy, 25 (DEE25). Also called: Epileptic encephalopathy, early infantile, 25, with amelogenesis imperfecta; Epileptic encephalopathy, early infantile, 25; Developmental and epileptic encephalopathy 25, with amelogenesis imperfecta. Identifiers: Orphanet 442835, MedGen C4014621, MONDO:0014392, OMIM 615905.

Allele frequency attached by ClinVar (database versions not stated): gnomAD exomes below 0.00001; ExAC 0.00001; gnomAD 0.00001; TOPMed 0.00001.
gnomAD v4.1: 3 of 1,592,862 alleles (0.00019%); highest among the groups gnomAD compares: Non-Finnish European, 0.00026%; no homozygotes.

Submission:

Labcorp Genetics (formerly Invitae), Labcorp
Classification: Uncertain significance for Developmental and epileptic encephalopathy, 25. Last evaluated: 2020-11-22. Review status: criteria provided, single submitter. Criteria: Invitae Variant Classification Sherloc (09022015). Collection method: clinical testing. Allele origin: germline.
Comment: In summary, the available evidence is currently insufficient to determine the role of this variant in disease. Therefore, it has been classified as a Variant of Uncertain Significance. Algorithms developed to predict the effect of missense changes on protein structure and function (SIFT, PolyPhen-2, Align-GVGD) all suggest that this variant is likely to be tolerated, but these predictions have not been confirmed by published functional studies and their clinical significance is uncertain. This variant has not been reported in the literature in individuals with SLC13A5-related conditions. This variant is present in population databases (rs756710649, ExAC 0.002%). This sequence change replaces lysine with glutamic acid at codon 388 of the SLC13A5 protein (p.Lys388Glu). The lysine residue is moderately conserved and there is a small physicochemical difference between lysine and glutamic acid.